The following is an entry in ClinVar:

ClinVar aggregate classification (germline): Conflicting classifications of pathogenicity. Review status: criteria provided, conflicting classifications (1 of 4 stars). 2 submissions from 2 submitters: Likely pathogenic (1); Uncertain significance (1). Last evaluated 2025-12-16.

Conditions:
Pyridoxal phosphate-responsive seizures (PNPOD). Also called: EPILEPTIC ENCEPHALOPATHY, NEONATAL, PNPO-RELATED; SEIZURES, PYRIDOXINE-RESISTANT, PLP-SENSITIVE; Pyridoxamine 5-Prime-Phosphate Oxidase Deficiency; Pyridoxine-5'-phosphate oxidase deficiency; Pyridoxal 5'-Phosphate (PLP)-Dependent Epilepsy. Identifiers: Orphanet 79096, MedGen C1864723, MONDO:0012407, OMIM 610090. Disease mechanism: loss of function.

Submissions (2):

Labcorp Genetics (formerly Invitae), Labcorp
Classification: Likely pathogenic for Pyridoxal phosphate-responsive seizures. Last evaluated: 2025-12-16. Review status: criteria provided, single submitter. Criteria: Invitae Variant Classification Sherloc (09022015). Collection method: clinical testing. Allele origin: germline.
Comment: This sequence change replaces arginine, which is basic and polar, with glycine, which is neutral and non-polar, at codon 161 of the PNPO protein (p.Arg161Gly). This variant is present in population databases (rs146027425, gnomAD 0.02%). This missense change has been observed in individual(s) with clinical features of PNPO-related conditions (PMID: 29588952). In at least one individual the data is consistent with being in trans (on the opposite chromosome) from a pathogenic variant. ClinVar contains an entry for this variant (Variation ID: 3704480). Invitae Evidence Modeling of protein sequence and biophysical properties (such as structural, functional, and spatial information, amino acid conservation, physicochemical variation, residue mobility, and thermodynamic stability) indicates that this missense variant is expected to disrupt PNPO protein function with a positive predictive value of 80%. This variant disrupts the p.Arg161 amino acid residue in PNPO. Other variant(s) that disrupt this residue have been determined to be pathogenic (PMID: 27014579, 28349276). This suggests that this residue is clinically significant, and that variants that disrupt this residue are likely to be disease-causing. In summary, the currently available evidence indicates that the variant is pathogenic, but additional data are needed to prove that conclusively. Therefore, this variant has been classified as Likely Pathogenic.

Women's Health and Genetics/Laboratory Corporation of America, LabCorp
Classification: Uncertain significance. Last evaluated: 2025-06-16. Review status: criteria provided, single submitter. Criteria: LabCorp Variant Classification Summary - May 2015. Collection method: clinical testing. Allele origin: germline.
Comment: Variant summary: PNPO c.481C>G (p.Arg161Gly) results in a non-conservative amino acid change in the encoded protein sequence. Algorithms developed to predict the effect of missense changes on protein structure and function all suggest that this variant is likely to be disruptive. The variant allele was found at a frequency of 1.2e-05 in 251254 control chromosomes. c.481C>G has been observed in at-least one individual affected with Pyridoxal 5'-Phosphate-Dependent Epilepsy (example: Fung_2017). These data do not allow any conclusion about variant significance. A different variant affecting the same codon has been classified as pathogenic by our lab (c.481C>T, p.Arg161Cys), supporting the critical relevance of codon 161 to PNPO protein function. To our knowledge, no experimental evidence demonstrating an impact on protein function has been reported. The following publication has been ascertained in the context of this evaluation (PMID: 29588952). ClinVar contains an entry for this variant (Variation ID: 3704480). Based on the evidence outlined above, the variant was classified as VUS-possibly pathogenic.

Literature cited by the submitters: PubMed 29588952 (cited by Labcorp Genetics (formerly Invitae), Labcorp and Women's Health and Genetics/Laboratory Corporation of America, LabCorp); PubMed 27014579 (cited by Labcorp Genetics (formerly Invitae), Labcorp); PubMed 28349276 (cited by Labcorp Genetics (formerly Invitae), Labcorp); PubMed 35217610 (cited by Women's Health and Genetics/Laboratory Corporation of America, LabCorp); PubMed 32888189 (cited by Women's Health and Genetics/Laboratory Corporation of America, LabCorp).

NM_018129.4(PNPO):c.481C>G (p.Arg161Gly)

Gene: PNPO (pyridoxamine 5'-phosphate oxidase; plus strand). Cytogenetic location: 17q21.32.
Variant type: single nucleotide variant.
Coding change: c.481C>G on transcript NM_018129.4 (MANE Select); coding-DNA position 481, C replaced by G.
Protein change: p.Arg161Gly; replaces arginine 161 with glycine.
Molecular consequence: missense variant.
Genome position (GRCh38, 1-based): chr17:47,945,924, C>G. VCF-style: chr17-47945924-C-G. GRCh37 (hg19) VCF-style: chr17-46023290-C-G.
Other names: short protein forms R161G.
Identifiers: ClinVar variation 3704480 (VCV003704480.4).